The following is an entry in ClinVar:

NM_020191.4(MRPS22):c.171C>T (p.Ala57=)

Genes: MRPS22 (mitochondrial ribosomal protein S22; plus strand), LOC112903839 (Sharpr-MPRA regulatory region 3993; plus strand). Cytogenetic location: 3q23.
Variant type: single nucleotide variant.
Coding change: c.171C>T on transcript NM_020191.4 (MANE Select); coding-DNA position 171, C replaced by T.
Protein change: p.Ala57=; no amino-acid change (alanine 57 retained).
Molecular consequence: synonymous variant.
Genome position (GRCh38, 1-based): chr3:139,344,197, C>T. VCF-style: chr3-139344197-C-T. GRCh37 (hg19) VCF-style: chr3-139063039-C-T.
Other names: c.171C>T, p.Ala57= (NM_001363893.1); c.171C>T (NM_020191.2).
Identifiers: ClinVar variation 1357928 (VCV001357928.7), dbSNP rs150629747, ClinGen allele CA2640626.

ClinVar aggregate classification (germline): Uncertain significance. Review status: criteria provided, single submitter (1 of 4 stars). 2 submissions from 2 submitters: Uncertain significance (1). 1 of the submissions does not count toward it. Last evaluated 2022-09-19.

Conditions:
MRPS22-related disorder. Also called: MRPS22-related condition.

Allele frequency attached by ClinVar (database versions not stated): ESP Exome Variant Server 0.00015; gnomAD 0.00025 and 0.00027; TOPMed 0.00036; 1000 Genomes Project 0.00040; 1000 Genomes Project 30x 0.00047.
gnomAD v4.1: 89 of 1,605,548 alleles (0.0055%); highest among the groups gnomAD compares: African/African-American, 0.097%; no homozygotes.

Submissions (2):

Labcorp Genetics (formerly Invitae), Labcorp
Classification: Uncertain significance. Last evaluated: 2022-09-19. Review status: criteria provided, single submitter. Criteria: Invitae Variant Classification Sherloc (09022015). Collection method: clinical testing. Allele origin: germline.
Comment: This sequence change affects codon 57 of the MRPS22 mRNA. It is a 'silent' change, meaning that it does not change the encoded amino acid sequence of the MRPS22 protein. It affects a nucleotide within the consensus splice site. This variant is present in population databases (rs150629747, gnomAD 0.09%). This variant has not been reported in the literature in individuals affected with MRPS22-related conditions. ClinVar contains an entry for this variant (Variation ID: 1357928). Algorithms developed to predict the effect of sequence changes on RNA splicing suggest that this variant is not likely to affect RNA splicing. In summary, the available evidence is currently insufficient to determine the role of this variant in disease. Therefore, it has been classified as a Variant of Uncertain Significance.

PreventionGenetics, part of Exact Sciences
Classification: Likely benign for MRPS22-related condition. Last evaluated: 2020-02-19. Review status: no assertion criteria provided. Collection method: clinical testing. Allele origin: germline. Not counted in ClinVar's aggregate classification.
Comment: This variant is classified as likely benign based on ACMG/AMP sequence variant interpretation guidelines (Richards et al. 2015 PMID: 25741868, with internal and published modifications).